The following is an entry in ClinVar:

ClinVar aggregate classification (germline): Pathogenic. Review status: criteria provided, multiple submitters, no conflicts (2 of 4 stars). 3 submissions from 3 submitters: Pathogenic (3). Last evaluated 2023-05-04.

Conditions:
Familial adenomatous polyposis 1 (FAP1). Also called: FAMILIAL ADENOMATOUS POLYPOSIS 1, ATTENUATED; POLYPOSIS, ADENOMATOUS INTESTINAL. Identifiers: MedGen C2713442, MONDO:0021056, OMIM 175100. Disease mechanism: loss of function.

Submissions (3):

Myriad Genetics, Inc.
Classification: Pathogenic for Familial adenomatous polyposis 1. Last evaluated: 2023-05-04. Review status: criteria provided, single submitter. Criteria: Myriad Autosomal Dominant, Autosomal Recessive and X-Linked Classification Criteria (2023). Collection method: clinical testing. Allele origin: unknown.
Comment: This variant is considered pathogenic. This variant creates a frameshift predicted to result in premature protein truncation.

Labcorp Genetics (formerly Invitae), Labcorp
Classification: Pathogenic for Familial adenomatous polyposis 1. Last evaluated: 2022-08-23. Review status: criteria provided, single submitter. Criteria: Invitae Variant Classification Sherloc (09022015). Collection method: clinical testing. Allele origin: germline.
Comment: This variant is expected to disrupt the EB1 and HDLG binding sites, which mediate interactions with the cytoskeleton (PMID: 15311282, 17293347). While functional studies have not been performed to directly test the effect on APC protein function, this suggests that disruption of the C-terminal portion of the protein is functionally important. For these reasons, this variant has been classified as Pathogenic. A different truncation (p.Tyr2645Lysfs*14) that lies downstream of this variant has been determined to be pathogenic (PMID: 9824584, 1316610, 27081525, 8381579, 22135120, Invitae). This suggests that deletion of this region of the APC protein is causative of disease. ClinVar contains an entry for this variant (Variation ID: 545865). This variant has not been reported in the literature in individuals affected with APC-related conditions. This variant is not present in population databases (gnomAD no frequency). This sequence change creates a premature translational stop signal (p.Gln695Argfs*23) in the APC gene. While this is not anticipated to result in nonsense mediated decay, it is expected to disrupt the last 2149 amino acid(s) of the APC protein.

GeneDx
Classification: Pathogenic. Last evaluated: 2018-10-08. Review status: criteria provided, single submitter. Criteria: GeneDx Variant Classification (06012015). Collection method: clinical testing. Allele origin: germline. Affected: yes.
Comment: This deletion of one nucleotide in APC is denoted c.2083delC at the cDNA level and p.Gln695ArgfsX23 (Q695RfsX23) at the protein level. The normal sequence, with the base that is deleted in brackets, is AGAC[delC]AGGA. The deletion causes a frameshift which changes a Glutamine to an Arginine at codon 695, and creates a premature stop codon at position 23 of the new reading frame. Although this variant has not, to our knowledge, been reported in the literature as a germline variant, it is predicted to cause loss of normal protein function through protein truncation as the last 2149 amino acids are lost and replaced with 22 incorrect amino acids. We consider this variant to be pathogenic.

Literature cited by the submitters: PubMed 15311282 (cited by Labcorp Genetics (formerly Invitae), Labcorp); PubMed 17293347 (cited by Labcorp Genetics (formerly Invitae), Labcorp); PubMed 9824584 (cited by Labcorp Genetics (formerly Invitae), Labcorp); PubMed 1316610 (cited by Labcorp Genetics (formerly Invitae), Labcorp); PubMed 27081525 (cited by Labcorp Genetics (formerly Invitae), Labcorp); PubMed 8381579 (cited by Labcorp Genetics (formerly Invitae), Labcorp); PubMed 22135120 (cited by Labcorp Genetics (formerly Invitae), Labcorp).

NM_000038.6(APC):c.2083del (p.Gln695fs)

Gene: APC (APC regulator of Wnt signaling pathway; plus strand). Cytogenetic location: 5q22.2.
Variant type: Deletion.
Coding change: c.2083del on transcript NM_000038.6 (MANE Select); coding-DNA position 2083, one base deleted (C; older notation c.2083delC).
Protein change: p.Gln695fs; shifts the reading frame from glutamine 695.
Molecular consequence: frameshift variant.
Genome position (GRCh38, 1-based): chr5:112,837,677, C deleted; the last of 2 consecutive C bases (chr5:112,837,676-112,837,677); deleting either gives the same sequence. VCF-style (leftmost placement, unchanged base first): chr5-112837675-AC-A. GRCh37 (hg19) VCF-style: chr5-112173372-AC-A.
Other names: c.2083del, p.Gln695fs (NM_001127510.3, NM_001354895.2); c.2029del, p.Gln677fs (NM_001127511.3); c.2137del, p.Gln713fs (NM_001354896.2); c.2113del, p.Gln705fs (NM_001354897.2); c.2008del, p.Gln670fs (NM_001354898.2); c.1999del, p.Gln667fs (NM_001354899.2); c.1960del, p.Gln654fs (NM_001354900.2); c.1906del, p.Gln636fs (NM_001354901.2); and 5 more; short protein forms Q412fs, Q535fs, Q604fs, Q670fs, Q695fs, Q713fs, Q569fs, Q636fs.
Identifiers: ClinVar variation 545865 (VCV000545865.8), dbSNP rs1554083941, ClinGen allele CA658822396.